The following is an entry in ClinVar:

NM_000136.3(FANCC):c.283T>C (p.Cys95Arg)

Gene: FANCC (FA complementation group C; minus strand). Cytogenetic location: 9q22.32.
Variant type: single nucleotide variant.
Coding change: c.283T>C on transcript NM_000136.3 (MANE Select); coding-DNA position 283, T replaced by C.
Protein change: p.Cys95Arg; replaces cysteine 95 with arginine.
Molecular consequence: missense variant.
Genome position (GRCh38, 1-based): chr9:95,240,711, A>G on the plus strand (T>C on the coding strand, the complement: FANCC is on the minus strand). VCF-style: chr9-95240711-A-G. GRCh37 (hg19) VCF-style: chr9-98002993-A-G.
Other names: c.283T>C, p.Cys95Arg (NM_001243743.2, NM_001243744.2); short protein forms C95R.
Identifiers: ClinVar variation 3277654 (VCV003277654.1).

ClinVar aggregate classification (germline): Uncertain significance (1 of 4 stars; one submission).

Conditions:
Hereditary cancer-predisposing syndrome. Also called: Tumor predisposition; Hereditary Cancer Syndrome; Hereditary neoplastic syndrome; Neoplastic Syndromes, Hereditary. Identifiers: Orphanet 140162, MedGen C0027672, MeSH D009386, MONDO:0015356.

gnomAD v4.1: 1 of 1,613,064 alleles (0.000062%); highest among the groups gnomAD compares: South Asian, 0.0011%; no homozygotes.

Submission:

Ambry Genetics
Classification: Uncertain significance for Hereditary cancer-predisposing syndrome. Last evaluated: 2024-06-11. Review status: criteria provided, single submitter. Criteria: Ambry Variant Classification Scheme 2023. Collection method: clinical testing. Allele origin: germline.
Comment: The p.C95R variant (also known as c.283T>C), located in coding exon 3 of the FANCC gene, results from a T to C substitution at nucleotide position 283. The cysteine at codon 95 is replaced by arginine, an amino acid with highly dissimilar properties. This amino acid position is conserved. In addition, this alteration is predicted to be tolerated by in silico analysis. Based on the available evidence, the clinical significance of this variant remains unclear.